The following is an entry in ClinVar:

ClinVar aggregate classification (germline): Uncertain significance (1 of 4 stars; one submission).

gnomAD v4.1: 1 of 1,610,106 alleles (0.000062%); highest among the groups gnomAD compares: Non-Finnish European, 0.000085%; no homozygotes.

Submission:

Labcorp Genetics (formerly Invitae), Labcorp
Classification: Uncertain significance. Last evaluated: 2024-10-08. Review status: criteria provided, single submitter. Criteria: Invitae Variant Classification Sherloc (09022015). Collection method: clinical testing. Allele origin: germline.
Comment: This sequence change replaces histidine, which is basic and polar, with glutamine, which is neutral and polar, at codon 688 of the POLE protein (p.His688Gln). This variant is not present in population databases (gnomAD no frequency). This variant has not been reported in the literature in individuals affected with POLE-related conditions. ClinVar contains an entry for this variant (Variation ID: 1061931). Invitae Evidence Modeling of protein sequence and biophysical properties (such as structural, functional, and spatial information, amino acid conservation, physicochemical variation, residue mobility, and thermodynamic stability) indicates that this missense variant is not expected to disrupt POLE protein function with a negative predictive value of 80%. In summary, the available evidence is currently insufficient to determine the role of this variant in disease. Therefore, it has been classified as a Variant of Uncertain Significance.

NM_006231.4(POLE):c.2064C>A (p.His688Gln)

Gene: POLE (DNA polymerase epsilon, catalytic subunit; minus strand). Cytogenetic location: 12q24.33.
Variant type: single nucleotide variant.
Coding change: c.2064C>A on transcript NM_006231.4 (MANE Select); coding-DNA position 2064, C replaced by A.
Protein change: p.His688Gln; replaces histidine 688 with glutamine.
Molecular consequence: missense variant.
Genome position (GRCh38, 1-based): chr12:132,668,465, G>T on the plus strand (C>A on the coding strand, the complement: POLE is on the minus strand). VCF-style: chr12-132668465-G-T. GRCh37 (hg19) VCF-style: chr12-133245051-G-T.
Other names: short protein forms H688Q.
Identifiers: ClinVar variation 1061931 (VCV001061931.7), dbSNP rs1555227275, ClinGen allele CA387354280.